The following is an entry in ClinVar:

NM_152906.7(TANGO2):c.538C>T (p.Arg180Trp)

Gene: TANGO2 (transport and golgi organization 2 homolog; plus strand). Cytogenetic location: 22q11.21.
Variant type: single nucleotide variant.
Coding change: c.538C>T on transcript NM_152906.7 (MANE Select); coding-DNA position 538, C replaced by T.
Protein change: p.Arg180Trp; replaces arginine 180 with tryptophan.
Molecular consequence: missense variant. On other transcripts: non-coding transcript variant (3), intron variant (4).
Genome position (GRCh38, 1-based): chr22:20,061,616, C>T. VCF-style: chr22-20061616-C-T. GRCh37 (hg19) VCF-style: chr22-20049139-C-T.
Other names: c.538C>T, p.Arg180Trp (NM_001283106.3, NM_001283116.3, NM_001283148.3 and 2 more transcripts); c.661C>T, p.Arg221Trp (NM_001283129.3, NM_001322141.2, NM_001322143.2 and 1 more transcripts); c.352C>T, p.Arg118Trp (NM_001283179.3, NM_001283186.3, NM_001322163.2 and 3 more transcripts); c.244C>T, p.Arg82Trp (NM_001283235.3, NM_001322150.2, NM_001322153.2 and 6 more transcripts); c.475C>T, p.Arg159Trp (NM_001322145.2, NM_001322147.2); c.436C>T, p.Arg146Trp (NM_001322146.2, NM_001322148.2, NM_001322160.2); c.381-1722C>T (NM_001283199.3); c.575-2926C>T (NM_001283215.3); and 3 more; short protein forms R146W, R180W, R118W, R159W, R221W, R82W.
Identifiers: ClinVar variation 1494425 (VCV001494425.5), dbSNP rs776610669, ClinGen allele CA10106476.
Genomic context (GRCh38, chr22:20,061,616, plus strand): 5'-CTGGAGACTCCCTGGAGGAAGCTGTGCTTTGGGAAGCAGCTCTTCCTGGAGGCTGTGGAA[C>T]GGAGCCAGGCGCTGCCCAAGGATGTGCTCATCGCCAGCCTCCTGGATGTGCTCAACAATG-3'
Protein context (NP_690870.3, residues 170-190): GKQLFLEAVE[Arg180Trp]SQALPKDVLI

ClinVar aggregate classification (germline): Uncertain significance. Review status: criteria provided, multiple submitters, no conflicts (2 of 4 stars). 2 submissions from 2 submitters: Uncertain significance (2). Last evaluated 2024-11-09.

Conditions:
Inborn genetic diseases. Identifiers: MedGen C0950123, MeSH D030342.

Allele frequency attached by ClinVar (database versions not stated): TOPMed 0.00002; gnomAD 0.00003 and 0.00004; gnomAD exomes 0.00005 and 0.00009; ExAC 0.00008.
gnomAD v4.1: 124 of 1,577,480 alleles (0.0079%); highest among the groups gnomAD compares: Non-Finnish European, 0.011%; no homozygotes.

Submissions (2):

Ambry Genetics
Classification: Uncertain significance for Inborn genetic diseases. Last evaluated: 2024-11-09. Review status: criteria provided, single submitter. Criteria: Ambry Variant Classification Scheme 2023. Collection method: clinical testing. Allele origin: germline.

Labcorp Genetics (formerly Invitae), Labcorp
Classification: Uncertain significance. Last evaluated: 2022-05-31. Review status: criteria provided, single submitter. Criteria: Invitae Variant Classification Sherloc (09022015). Collection method: clinical testing. Allele origin: germline.
Comment: This sequence change replaces arginine, which is basic and polar, with tryptophan, which is neutral and slightly polar, at codon 180 of the TANGO2 protein (p.Arg180Trp). This variant is present in population databases (rs776610669, gnomAD 0.01%). This variant has not been reported in the literature in individuals affected with TANGO2-related conditions. ClinVar contains an entry for this variant (Variation ID: 1494425). Algorithms developed to predict the effect of missense changes on protein structure and function are either unavailable or do not agree on the potential impact of this missense change (SIFT: "Not Available"; PolyPhen-2: "Possibly Damaging"; Align-GVGD: "Not Available"). In summary, the available evidence is currently insufficient to determine the role of this variant in disease. Therefore, it has been classified as a Variant of Uncertain Significance.